The following is an entry in ClinVar:

NM_014915.3(ANKRD26):c.215G>T (p.Gly72Val)

Gene: ANKRD26 (ankyrin repeat domain 26; minus strand). Cytogenetic location: 10p12.1.
Variant type: single nucleotide variant.
Coding change: c.215G>T on transcript NM_014915.3 (MANE Select); coding-DNA position 215, G replaced by T.
Protein change: p.Gly72Val; replaces glycine 72 with valine.
Molecular consequence: missense variant.
Genome position (GRCh38, 1-based): chr10:27,100,112, C>A on the plus strand (G>T on the coding strand, the complement: ANKRD26 is on the minus strand). VCF-style: chr10-27100112-C-A. GRCh37 (hg19) VCF-style: chr10-27389041-C-A.
Other names: c.215G>T, p.Gly72Val (NM_001256053.2); short protein forms G72V.
Identifiers: ClinVar variation 3396333 (VCV003396333.2).
Genomic context (GRCh38, chr10:27,100,112, plus strand): 5'-TGGCACTCAGTCCGGGCTTGCGACGCCTATTACCTGTTCATCTTGTCTCTATCGTTCAAG[C>A]CATTCTTCCTGAGCAAAAGGATCTGCTGCACTTTCGCCACATTACCCGCGCTGGCAGCTT-3'
Protein context (NP_055730.2, residues 62-82): VQQILLLRKN[Gly72Val]LNDRDKMNRT

ClinVar aggregate classification (germline): Uncertain significance. Review status: criteria provided, multiple submitters, no conflicts (2 of 4 stars). 2 submissions from 2 submitters: Uncertain significance (2). Last evaluated 2026-01-04.

Conditions:
Inborn genetic diseases. Identifiers: MedGen C0950123, MeSH D030342.

gnomAD v4.1: 2 of 1,614,132 alleles (0.00012%); highest among the groups gnomAD compares: Non-Finnish European, 0.00017%; no homozygotes.

Submissions (2):

Labcorp Genetics (formerly Invitae), Labcorp
Classification: Uncertain significance. Last evaluated: 2026-01-04. Review status: criteria provided, single submitter. Criteria: Invitae Variant Classification Sherloc (09022015). Collection method: clinical testing. Allele origin: germline.
Comment: This sequence change replaces glycine, which is neutral and non-polar, with valine, which is neutral and non-polar, at codon 72 of the ANKRD26 protein (p.Gly72Val). This variant is not present in population databases (gnomAD no frequency). This variant has not been reported in the literature in individuals affected with ANKRD26-related conditions. ClinVar contains an entry for this variant (Variation ID: 3396333). An algorithm developed to predict the effect of missense changes on protein structure and function (PolyPhen-2) suggests that this variant is likely to be tolerated. In summary, the available evidence is currently insufficient to determine the role of this variant in disease. Therefore, it has been classified as a Variant of Uncertain Significance.

Ambry Genetics
Classification: Uncertain significance for Inborn genetic diseases. Last evaluated: 2024-12-06. Review status: criteria provided, single submitter. Criteria: Ambry Variant Classification Scheme 2023. Collection method: clinical testing. Allele origin: germline.
Comment: The p.G72V variant (also known as c.215G>T), located in coding exon 1 of the ANKRD26 gene, results from a G to T substitution at nucleotide position 215. The glycine at codon 72 is replaced by valine, an amino acid with dissimilar properties. This amino acid position is conserved. In addition, this alteration is predicted to be tolerated by in silico analysis. Based on the available evidence, the clinical significance of this variant remains unclear.